The following is an entry in ClinVar:

ClinVar aggregate classification (germline): Uncertain significance (1 of 4 stars; one submission).

Conditions:
Hypertrophic cardiomyopathy 26. Also called: Cardiomyopathy, familial hypertrophic, 26. Identifiers: Orphanet 75249, MedGen C4310749, MONDO:0014883, OMIM 617047.
Myofibrillar myopathy 5. Also called: Filaminopathy (type); FILAMINOPATHY, AUTOSOMAL DOMINANT. Identifiers: Orphanet 171445, MedGen C1836050, MONDO:0012289, OMIM 609524.
Distal myopathy with posterior leg and anterior hand involvement. Also called: WILLIAMS DISTAL MYOPATHY. Identifiers: Orphanet 63273, MedGen C3279722, MONDO:0013550, OMIM 614065.

Submission:

Labcorp Genetics (formerly Invitae), Labcorp
Classification: Uncertain significance for Distal myopathy with posterior leg and anterior hand involvement; Myofibrillar myopathy 5; Hypertrophic cardiomyopathy 26. Last evaluated: 2025-09-24. Review status: criteria provided, single submitter. Criteria: Invitae Variant Classification Sherloc (09022015). Collection method: clinical testing. Allele origin: germline.
Comment: This sequence change replaces methionine, which is neutral and non-polar, with threonine, which is neutral and polar, at codon 1952 of the FLNC protein (p.Met1952Thr). This variant is not present in population databases (gnomAD no frequency). This variant has not been reported in the literature in individuals affected with FLNC-related conditions. Invitae Evidence Modeling of protein sequence and biophysical properties (such as structural, functional, and spatial information, amino acid conservation, physicochemical variation, residue mobility, and thermodynamic stability) has been performed for this missense variant. However, the output from this modeling did not meet the statistical confidence thresholds required to predict the impact of this variant on FLNC protein function. In summary, the available evidence is currently insufficient to determine the role of this variant in disease. Therefore, it has been classified as a Variant of Uncertain Significance.

NM_001458.5(FLNC):c.5855T>C (p.Met1952Thr)

Genes: FLNC (filamin C; plus strand), FLNC-AS1 (FLNC antisense RNA 1; minus strand). Cytogenetic location: 7q32.1.
Variant type: single nucleotide variant.
Coding change: c.5855T>C on transcript NM_001458.5 (MANE Select); coding-DNA position 5855, T replaced by C.
Protein change: p.Met1952Thr; replaces methionine 1952 with threonine.
Molecular consequence: missense variant.
Genome position (GRCh38, 1-based): chr7:128,852,603, T>C. VCF-style: chr7-128852603-T-C. GRCh37 (hg19) VCF-style: chr7-128492657-T-C.
Other names: c.5756T>C, p.Met1919Thr (NM_001127487.2); short protein forms M1919T, M1952T.
Identifiers: ClinVar variation 4812753 (VCV004812753.1).